The following is an entry in ClinVar:

NM_004304.5(ALK):c.4340C>T (p.Thr1447Ile)

Gene: ALK (ALK receptor tyrosine kinase; minus strand). Cytogenetic location: 2p23.2.
Variant type: single nucleotide variant.
Coding change: c.4340C>T on transcript NM_004304.5 (MANE Select); coding-DNA position 4340, C replaced by T.
Protein change: p.Thr1447Ile; replaces threonine 1447 with isoleucine.
Molecular consequence: missense variant.
Genome position (GRCh38, 1-based): chr2:29,193,747, G>A on the plus strand (C>T on the coding strand, the complement: ALK is on the minus strand). VCF-style: chr2-29193747-G-A. GRCh37 (hg19) VCF-style: chr2-29416613-G-A.
Other names: c.1136C>T, p.Thr379Ile (NM_001353765.2); short protein forms T379I, T1447I.
Identifiers: ClinVar variation 955779 (VCV000955779.11), dbSNP rs554599505, ClinGen allele CA1593595.

ClinVar aggregate classification (germline): Conflicting classifications of pathogenicity. Review status: criteria provided, conflicting classifications (1 of 4 stars). 2 submissions from 2 submitters: Uncertain significance (1); Likely benign (1). Last evaluated 2025-08-07.

Conditions:
Hereditary cancer-predisposing syndrome. Also called: Hereditary neoplastic syndrome; Tumor predisposition; Neoplastic Syndromes, Hereditary; Hereditary Cancer Syndrome. Identifiers: Orphanet 140162, MedGen C0027672, MeSH D009386, MONDO:0015356.
Neuroblastoma, susceptibility to, 3. Also called: ALK-Related Neuroblastic Tumor Susceptibility. Identifiers: Orphanet 635, MedGen C2751681, MONDO:0013083, OMIM 613014.

Allele frequency attached by ClinVar (database versions not stated): gnomAD exomes 0.00001 and 0.00003; gnomAD 0.00002; ExAC 0.00004; 1000 Genomes Project 30x 0.00047; 1000 Genomes Project 0.00060.
gnomAD v4.1: 18 of 1,600,446 alleles (0.0011%); highest among the groups gnomAD compares: South Asian, 0.02%; no homozygotes.

Submissions (2):

Labcorp Genetics (formerly Invitae), Labcorp
Classification: Uncertain significance for Neuroblastoma, susceptibility to, 3. Last evaluated: 2025-08-07. Review status: criteria provided, single submitter. Criteria: Invitae Variant Classification Sherloc (09022015). Collection method: clinical testing. Allele origin: germline.
Comment: This sequence change replaces threonine, which is neutral and polar, with isoleucine, which is neutral and non-polar, at codon 1447 of the ALK protein (p.Thr1447Ile). This variant is present in population databases (rs554599505, gnomAD 0.03%). This variant has not been reported in the literature in individuals affected with ALK-related conditions. ClinVar contains an entry for this variant (Variation ID: 955779). An algorithm developed to predict the effect of missense changes on protein structure and function (PolyPhen-2) suggests that this variant is likely to be tolerated. In summary, the available evidence is currently insufficient to determine the role of this variant in disease. Therefore, it has been classified as a Variant of Uncertain Significance.

Ambry Genetics
Classification: Likely benign for Hereditary cancer-predisposing syndrome. Last evaluated: 2024-01-11. Review status: criteria provided, single submitter. Criteria: Ambry Variant Classification Scheme 2023. Collection method: clinical testing. Allele origin: germline.